The following is an entry in ClinVar:

ClinVar aggregate classification (germline): Benign/Likely benign. Review status: criteria provided, multiple submitters, no conflicts (2 of 4 stars). 8 submissions from 8 submitters: Benign (1); Likely benign (5). 2 of the submissions do not count toward it. Last evaluated 2026-07-01.

Conditions:
Inborn genetic diseases. Identifiers: MedGen C0950123, MeSH D030342.
Pseudohypoaldosteronism type 2C (PHA2C). Also called: Pseudohypoaldosteronism Type IIC. Identifiers: Orphanet 757, Orphanet 88940, MedGen C1840391, MONDO:0013778, OMIM 614492.
Neuropathy, hereditary sensory and autonomic, type 2A (HSAN2A). Also called: HSAN IIA; ACROOSTEOLYSIS, GIACCAI TYPE; ACROOSTEOLYSIS, NEUROGENIC; MORVAN DISEASE; NEUROPATHY, CONGENITAL SENSORY; NEUROPATHY, HEREDITARY SENSORY RADICULAR, AUTOSOMAL RECESSIVE. Identifiers: Orphanet 970, MedGen C2752089, MONDO:0024309, OMIM 201300.

Submissions (8):

CeGaT Center for Human Genetics Tuebingen
Classification: Likely benign. Last evaluated: 2026-07-01. Review status: criteria provided, single submitter. Criteria: CeGaT Center For Human Genetics Tuebingen Variant Classification Criteria Version 2. Collection method: clinical testing. Allele origin: germline. Affected: yes. Observed: 10 variant alleles.
Comment: WNK1: PM4:Supporting, BS2

Labcorp Genetics (formerly Invitae), Labcorp
Classification: Benign for Neuropathy, hereditary sensory and autonomic, type 2A; Pseudohypoaldosteronism type 2C. Last evaluated: 2026-01-24. Review status: criteria provided, single submitter. Criteria: Invitae Variant Classification Sherloc (09022015). Collection method: clinical testing. Allele origin: germline.

Blueprint Genetics
Classification: Likely benign. Last evaluated: 2024-11-07. Review status: criteria provided, single submitter. Criteria: ACMG Guidelines, 2015. Collection method: clinical testing. Allele origin: germline.

Women's Health and Genetics/Laboratory Corporation of America, LabCorp
Classification: Likely benign. Last evaluated: 2024-04-23. Review status: criteria provided, single submitter. Criteria: LabCorp Variant Classification Summary - May 2015. Collection method: clinical testing. Allele origin: germline.
Comment: Variant summary: WNK1 c.4605_4607delCAG (p.Ser1536del) results in an in-frame deletion that is predicted to remove one amino acid from the encoded protein. The variant allele was found at a frequency of 0.0023 in 250998 control chromosomes, predominantly at a frequency of 0.0057 within the Latino subpopulation in the gnomAD database, including 3 homozygotes. To our knowledge, no occurrence of c.4605_4607delCAG in individuals affected with Neuropathy, Hereditary Sensory And Autonomic, Type 2A and no experimental evidence demonstrating its impact on protein function have been reported. ClinVar contains an entry for this variant (Variation ID: 310831). Based on the evidence outlined above, the variant was classified as likely benign.

ARUP Laboratories, Molecular Genetics and Genomics, ARUP Laboratories
Classification: Likely benign. Last evaluated: 2022-03-18. Review status: criteria provided, single submitter. Criteria: ARUP Molecular Germline Variant Investigation Process 2021. Collection method: clinical testing. Allele origin: germline.

Ambry Genetics
Classification: Likely benign for Inborn genetic diseases. Last evaluated: 2020-11-02. Review status: criteria provided, single submitter. Criteria: Ambry Variant Classification Scheme 2023. Collection method: clinical testing. Allele origin: germline.

Clinical Genetics, Academic Medical Center
Classification: Likely benign. Review status: no assertion criteria provided. Collection method: clinical testing. Allele origin: germline. Affected: yes. Study: VKGL Data-share Consensus. Not counted in ClinVar's aggregate classification.

Genome Diagnostics Laboratory, University Medical Center Utrecht
Classification: Likely benign. Review status: no assertion criteria provided. Collection method: clinical testing. Allele origin: germline. Affected: yes. Study: VKGL Data-share Consensus. Not counted in ClinVar's aggregate classification.

NM_018979.4(WNK1):c.4605_4607del (p.Ser1536del)

Gene: WNK1 (WNK lysine deficient protein kinase 1; plus strand). Cytogenetic location: 12p13.33.
Variant type: Deletion.
Coding change: c.4605_4607del on transcript NM_018979.4 (MANE Select); coding-DNA positions 4605 to 4607, 3 bases deleted (CAG; older notation c.4605_4607delCAG).
Protein change: p.Ser1536del; deletes serine 1536.
Molecular consequence: inframe deletion.
Genome position (GRCh38, 1-based): chr12:885,409-885,411, CAG deleted; deleting any 3 consecutive bases within chr12:885,407-885,411 gives the same sequence; the c. name uses the placement nearest the transcript's 3' end. VCF-style (leftmost placement, unchanged base first): chr12-885406-TAGC-T. GRCh37 (hg19) VCF-style: chr12-994572-TAGC-T.
Other names: c.5361_5363delCAG (NM_213655.4); c.5385_5387del, p.Ser1796del (NM_001184985.2); c.3864_3866del, p.Ser1289del (NM_014823.3); c.5361_5363del, p.Ser1788del (NM_213655.5); c.4605_4607delCAG (NM_018979.4); short protein forms S1536del, S1788del, S1796del, S1289del.
Identifiers: ClinVar variation 310831 (VCV000310831.67), dbSNP rs72650732, ClinGen allele CA6383002.
Genomic context (GRCh38, chr12:885,406, plus strand): 5'-TACTCCTACTTTAGCTGAAACCGTGGTAGTTAGCGCACACTCACTAGATAAGACATCTCA[TAGC>T]AGTACAACTGGATTGGCTTTCTCCCTCTCTGCACCATCTTCCTCTTCCTCTCCTGGAGCA-3'